The following is an entry in ClinVar:

NM_000152.5(GAA):c.2013G>A (p.Met671Ile)

Gene: GAA (alpha glucosidase; plus strand). Cytogenetic location: 17q25.3.
Variant type: single nucleotide variant.
Coding change: c.2013G>A on transcript NM_000152.5 (MANE Select); coding-DNA position 2013, G replaced by A.
Protein change: p.Met671Ile; replaces methionine 671 with isoleucine.
Molecular consequence: missense variant.
Genome position (GRCh38, 1-based): chr17:80,113,000, G>A. VCF-style: chr17-80113000-G-A. GRCh37 (hg19) VCF-style: chr17-78086799-G-A.
Other names: c.2013G>A, p.Met671Ile (NM_001079803.3, NM_001079804.3, NM_001406741.1 and 1 more transcripts); short protein forms M671I.
Identifiers: ClinVar variation 4876605 (VCV004876605.1).

ClinVar aggregate classification (germline): Uncertain significance (1 of 4 stars; one submission).

Conditions:
Glycogen storage disease, type II (IOPD). Also called: Pompe Disease; CARDIOMEGALIA GLYCOGENICA DIFFUSA; GLYCOGENOSIS, GENERALIZED, CARDIAC FORM; GSD II; POMPE DISEASE, INFANTILE-ONSET; GLYCOGEN STORAGE DISEASE II, INFANTILE-ONSET. Identifiers: Orphanet 365, MedGen C0017921, MONDO:0009290, OMIM 232300.

Submission:

Genomenon, Inc
Classification: Uncertain significance for Glycogen storage disease, type II. Last evaluated: 2026-07-01. Review status: criteria provided, single submitter. Criteria: Genomenon Sequence Variant Interpretation Standards - Updated. Collection method: curation. Allele origin: germline. Affected: no.
Comment: GAA p.Met671Ile (c.2013G>A) is a missense variant that changes the amino acid at codon 671 from Methionine to Isoleucine. This variant has been identified in an individual who also harbors a pathogenic variant in the same gene, suggesting that this variant is unlikely to be clinically significant (PMID:39213226). It is absent or not present at a significant frequency in gnomAD. In silico models predict that this variant is possibly or probably damaging. In conclusion, we classify GAA p.Met671Ile (c.2013G>A) as a variant of uncertain significance.

Literature cited by the submitters: PubMed 39213226.